The following is an entry in ClinVar:

NM_006329.4(FBLN5):c.1237C>T (p.Pro413Ser)

Gene: FBLN5 (fibulin 5; minus strand). Cytogenetic location: 14q32.12.
Variant type: single nucleotide variant.
Coding change: c.1237C>T on transcript NM_006329.4 (MANE Select); coding-DNA position 1237, C replaced by T.
Protein change: p.Pro413Ser; replaces proline 413 with serine.
Molecular consequence: missense variant. On other transcripts: 3 prime UTR variant (2).
Genome position (GRCh38, 1-based): chr14:91,870,334, G>A on the plus strand (C>T on the coding strand, the complement: FBLN5 is on the minus strand). VCF-style: chr14-91870334-G-A. GRCh37 (hg19) VCF-style: chr14-92336678-G-A.
Other names: c.1360C>T, p.Pro454Ser (NM_001384158.1); c.1288C>T, p.Pro430Ser (NM_001384159.1); c.*21C>T (NM_001384160.1, NM_001384161.1); c.1069C>T, p.Pro357Ser (NM_001384162.1); short protein forms P430S, P357S, P413S, P454S.
Identifiers: ClinVar variation 2069509 (VCV002069509.5), dbSNP rs2542729678, ClinGen allele CA390639364.
Genomic context (GRCh38, chr14:91,870,334, plus strand): 5'-CTCTGAAGTTGATGACAGTGTTGACAGTGATCATTTCCAAGTCCAGCTGGATTTCCCGGG[G>A]CCCTTTGATGGGGCGTGTCATCACCAGGGTGGCACTGATGGGGCCCGTTTGCTATGGACA-3'
Protein context (NP_006320.2, residues 403-423): TLVMTRPIKG[Pro413Ser]REIQLDLEMI

ClinVar aggregate classification (germline): Uncertain significance. Review status: criteria provided, multiple submitters, no conflicts (2 of 4 stars). 2 submissions from 2 submitters: Uncertain significance (2). Last evaluated 2024-11-11.

Conditions:
Inborn genetic diseases. Identifiers: MedGen C0950123, MeSH D030342.

Allele frequency attached by ClinVar (database versions not stated): gnomAD exomes below 0.00001.
gnomAD v4.1: 1 of 1,614,174 alleles (0.000062%); highest among the groups gnomAD compares: Non-Finnish European, 0.000085%; no homozygotes.

Submissions (2):

Ambry Genetics
Classification: Uncertain significance for Inborn genetic diseases. Last evaluated: 2024-11-11. Review status: criteria provided, single submitter. Criteria: Ambry Variant Classification Scheme 2023. Collection method: clinical testing. Allele origin: germline.

Labcorp Genetics (formerly Invitae), Labcorp
Classification: Uncertain significance. Last evaluated: 2022-01-01. Review status: criteria provided, single submitter. Criteria: Invitae Variant Classification Sherloc (09022015). Collection method: clinical testing. Allele origin: germline.
Comment: This sequence change replaces proline, which is neutral and non-polar, with serine, which is neutral and polar, at codon 413 of the FBLN5 protein (p.Pro413Ser). This variant is not present in population databases (gnomAD no frequency). This variant has not been reported in the literature in individuals affected with FBLN5-related conditions. Algorithms developed to predict the effect of missense changes on protein structure and function (SIFT, PolyPhen-2, Align-GVGD) all suggest that this variant is likely to be disruptive. In summary, the available evidence is currently insufficient to determine the role of this variant in disease. Therefore, it has been classified as a Variant of Uncertain Significance.